The following is an entry in ClinVar:

NM_006231.4(POLE):c.2089C>A (p.Pro697Thr)

Gene: POLE (DNA polymerase epsilon, catalytic subunit; minus strand). Cytogenetic location: 12q24.33.
Variant type: single nucleotide variant.
Coding change: c.2089C>A on transcript NM_006231.4 (MANE Select); coding-DNA position 2089, C replaced by A.
Protein change: p.Pro697Thr; replaces proline 697 with threonine.
Molecular consequence: missense variant.
Genome position (GRCh38, 1-based): chr12:132,668,440, G>T on the plus strand (C>A on the coding strand, the complement: POLE is on the minus strand). VCF-style: chr12-132668440-G-T. GRCh37 (hg19) VCF-style: chr12-133245026-G-T.
Other names: short protein forms P697T.
Identifiers: ClinVar variation 220705 (VCV000220705.19), dbSNP rs5744800, ClinGen allele CA350804.
Genomic context (GRCh38, chr12:132,668,440, plus strand): 5'-TCGCCTGTTCCTCGCGGGACAGTTCATGAAAGGCCCGAGCTGGCCCCTCTGGGAACAAGG[G>T]GGGGAACTTCTCTGACTCCAGCTGGTGCTGGATCCGATGGTATTCGCTGCGACTGGCTGG-3'
Protein context (NP_006222.2, residues 687-707): QHQLESEKFP[Pro697Thr]LFPEGPARAF

ClinVar aggregate classification (germline): Conflicting classifications of pathogenicity. Review status: criteria provided, conflicting classifications (1 of 4 stars). 8 submissions from 8 submitters: Uncertain significance (7); Likely benign (1). Last evaluated 2026-02-20.

Conditions:
POLE-related disorder. Also called: POLE-related condition; POLE-related disorders.
Hereditary cancer-predisposing syndrome. Also called: Hereditary Cancer Syndrome; Tumor predisposition; Neoplastic Syndromes, Hereditary; Hereditary neoplastic syndrome. Identifiers: Orphanet 140162, MedGen C0027672, MeSH D009386, MONDO:0015356.
Colorectal cancer, susceptibility to, 12 (CRCS12). Also called: COLORECTAL CANCER, SUSCEPTIBILITY TO, ON CHROMOSOME 12q24. Identifiers: Orphanet 220460, MedGen C3554460, MONDO:0014038, OMIM 615083.

Allele frequency attached by ClinVar (database versions not stated): TOPMed 0.00007.
gnomAD v4.1: 31 of 1,612,652 alleles (0.0019%); highest among the groups gnomAD compares: South Asian, 0.0044%; no homozygotes.

Submissions (8):

St. Jude Molecular Pathology, St. Jude Children's Research Hospital
Classification: Uncertain significance for Colorectal cancer, susceptibility to, 12. Last evaluated: 2026-02-20. Review status: criteria provided, single submitter. Criteria: St. Jude Assertion Criteria 2020. Collection method: clinical testing. Allele origin: germline.
Comment: the POLE gene are associated with polymerase proofreading-associated polyposis which includes predisposition to colorectal adenomas and carcinomas (OMIM ID: 615083). Of note, all individuals diagnosed with POLE-a ssociated colorectal adenomas and carcinomas to date have had pathogenic missense variants affecting the exonuclease domain. Pathogenic variants affecting both copies of the POLE gene are associated with FILS syndrome (OMIM ID: 615139) and IMAGE-I syndro me (OMIM ID: 618336). The POLE c.2089C>A p.(Pro697Thr) missense change has a maximum subpopulation frequency of 0.005% in gnomAD v2.1.1. The in silico tool REVEL predicts a benign effect on protein function, but to our knowledge this prediction has not been confirmed by functional studies. To our knowledge, this variant has not been reported in the literature in individuals with POLE-related disease. In summary, the evidence currently available is insufficient to dete rmine the clinical significance of this variant. It has therefore been classified as of uncertain significance.

Labcorp Genetics (formerly Invitae), Labcorp
Classification: Uncertain significance. Last evaluated: 2026-01-31. Review status: criteria provided, single submitter. Criteria: Invitae Variant Classification Sherloc (09022015). Collection method: clinical testing. Allele origin: germline.
Comment: This sequence change replaces proline, which is neutral and non-polar, with threonine, which is neutral and polar, at codon 697 of the POLE protein (p.Pro697Thr). This variant is present in population databases (rs5744800, gnomAD 0.006%). This missense change has been observed in individual(s) with breast cancer (PMID: 35264596). ClinVar contains an entry for this variant (Variation ID: 220705). Invitae Evidence Modeling of protein sequence and biophysical properties (such as structural, functional, and spatial information, amino acid conservation, physicochemical variation, residue mobility, and thermodynamic stability) indicates that this missense variant is not expected to disrupt POLE protein function with a negative predictive value of 80%. In summary, the available evidence is currently insufficient to determine the role of this variant in disease. Therefore, it has been classified as a Variant of Uncertain Significance.

Ambry Genetics
Classification: Likely benign for Hereditary cancer-predisposing syndrome. Last evaluated: 2024-10-17. Review status: criteria provided, single submitter. Criteria: Ambry Variant Classification Scheme 2023. Collection method: clinical testing. Allele origin: germline.

Blueprint Genetics
Classification: Uncertain significance. Last evaluated: 2024-09-12. Review status: criteria provided, single submitter. Criteria: ACMG Guidelines, 2015. Collection method: clinical testing. Allele origin: germline.

GeneDx
Classification: Uncertain significance. Last evaluated: 2023-09-11. Review status: criteria provided, single submitter. Criteria: GeneDx Variant Classification Process June 2021. Collection method: clinical testing. Allele origin: germline. Affected: yes.
Comment: In silico analysis supports that this missense variant has a deleterious effect on protein structure/function; Observed in an individual with breast cancer (PMID: 35264596); This variant is associated with the following publications: (PMID: 20951805, 29056344, 35264596)

PreventionGenetics, part of Exact Sciences
Classification: Uncertain significance for POLE-related condition. Last evaluated: 2023-06-24. Review status: criteria provided, single submitter. Criteria: ACMG Guidelines, 2015. Collection method: clinical testing. Allele origin: germline.
Comment: The POLE c.2089C>A variant is predicted to result in the amino acid substitution p.Pro697Thr. This variant has been identified in an unspecified tumor tissue specimen (Table S2, Campbell et al. 2017. PubMed ID: 29056344). This variant is reported in 0.0055% of alleles in individuals of East Asian descent in gnomAD and is interpreted as uncertain in ClinVar. At this time, the clinical significance of this variant is uncertain due to the absence of conclusive functional and genetic evidence.

Quest Diagnostics Nichols Institute San Juan Capistrano
Classification: Uncertain significance. Last evaluated: 2019-10-04. Review status: criteria provided, single submitter. Criteria: Quest Diagnostics criteria. Collection method: clinical testing. Allele origin: unknown.

Mendelics
Classification: Uncertain significance for Colorectal cancer, susceptibility to, 12. Last evaluated: 2019-05-28. Review status: criteria provided, single submitter. Criteria: Mendelics Assertion Criteria 2017. Collection method: clinical testing. Allele origin: unknown.

Literature cited by the submitters: PubMed 35264596 (cited by Labcorp Genetics (formerly Invitae), Labcorp); PubMed 29056344 (cited by Quest Diagnostics Nichols Institute San Juan Capistrano).